The following is an entry in ClinVar:

NM_005732.4(RAD50):c.1434C>A (p.Asp478Glu)

Gene: RAD50 (RAD50 double strand break repair protein; plus strand). Cytogenetic location: 5q31.1.
Variant type: single nucleotide variant.
Coding change: c.1434C>A on transcript NM_005732.4 (MANE Select); coding-DNA position 1434, C replaced by A.
Protein change: p.Asp478Glu; replaces aspartic acid 478 with glutamic acid.
Molecular consequence: missense variant.
Genome position (GRCh38, 1-based): chr5:132,589,819, C>A. VCF-style: chr5-132589819-C-A. GRCh37 (hg19) VCF-style: chr5-131925511-C-A.
Other names: short protein forms D478E.
Identifiers: ClinVar variation 5027733 (VCV005027733.1).

ClinVar aggregate classification (germline): Uncertain significance (1 of 4 stars; one submission).

Conditions:
Hereditary cancer-predisposing syndrome. Also called: Neoplastic Syndromes, Hereditary; Tumor predisposition; Hereditary neoplastic syndrome; Hereditary Cancer Syndrome. Identifiers: Orphanet 140162, MedGen C0027672, MeSH D009386, MONDO:0015356.

Submission:

Ambry Genetics
Classification: Uncertain significance for Hereditary cancer-predisposing syndrome. Last evaluated: 2026-08-23. Review status: criteria provided, single submitter. Criteria: Ambry Variant Classification Scheme 2023. Collection method: clinical testing. Allele origin: germline.
Comment: The p.D478E variant (also known as c.1434C>A), located in coding exon 9 of the RAD50 gene, results from a C to A substitution at nucleotide position 1434. The aspartic acid at codon 478 is replaced by glutamic acid, an amino acid with highly similar properties. This amino acid position is conserved. In addition, this alteration is predicted to be tolerated by in silico analysis. Based on the available evidence, the clinical significance of this variant remains unclear.